The following is an entry in ClinVar:

NM_001371623.1(TCOF1):c.2142+22C>T

Gene: TCOF1 (treacle ribosome biogenesis factor 1; plus strand). Cytogenetic location: 5q32.
Variant type: single nucleotide variant.
Coding change: c.2142+22C>T on transcript NM_001371623.1 (MANE Select); 22 bases into the intron after coding-DNA position 2142, C replaced by T.
Molecular consequence: intron variant.
Genome position (GRCh38, 1-based): chr5:150,376,352, C>T. VCF-style: chr5-150376352-C-T. GRCh37 (hg19) VCF-style: chr5-149755915-C-T.
Other names: c.2142+22C>T (NM_001135243.2, NM_001135244.2, NM_001195141.2 and 1 more transcripts); c.1911+22C>T (NM_001135245.2, NM_000356.4).
Identifiers: ClinVar variation 209030 (VCV000209030.1), dbSNP rs151344572, ClinGen allele CA276097.

ClinVar aggregate classification (germline): Likely benign (0 of 4 stars; one submission).

Conditions:
Treacher Collins syndrome 1 (TCS1). Also called: TCOF1-Related Treacher Collins Syndrome. Identifiers: Orphanet 861, MedGen CN315775, MONDO:0007944, OMIM 154500.

Allele frequency attached by ClinVar (database versions not stated): gnomAD exomes below 0.00001 and 0.00001; ExAC 0.00001; TOPMed 0.00002; gnomAD 0.00003 and 0.00004.
gnomAD v4.1: 21 of 1,613,958 alleles (0.0013%); highest among the groups gnomAD compares: Admixed American, 0.0067%; no homozygotes.

Submission:

Genetics Laboratories, Oxford Radcliffe Hospitals NHS Trust
Classification: Likely benign for Treacher collins syndrome 1. Review status: no assertion criteria provided. Collection method: not provided. Allele origin: somatic.